The following is an entry in ClinVar:

ClinVar aggregate classification (germline): Uncertain significance. Review status: criteria provided, multiple submitters, no conflicts (2 of 4 stars). 3 submissions from 3 submitters: Uncertain significance (2). 1 of the submissions does not count toward it. Last evaluated 2025-04-10.

Conditions:
Combined oxidative phosphorylation deficiency. Identifiers: MedGen C4540031, MONDO:0000732.
Charcot-Marie-Tooth Neuropathy X. Identifiers: MedGen CN118851.
AIFM1-related disorder. Also called: AIFM1-related condition.

Allele frequency attached by ClinVar (database versions not stated): gnomAD exomes below 0.00001.
gnomAD v4.1: 3 of 1,211,010 alleles (0.00025%); highest among the groups gnomAD compares: East Asian, 0.003%; no homozygotes.

Submissions (3):

GeneDx
Classification: Uncertain significance. Last evaluated: 2025-04-10. Review status: criteria provided, single submitter. Criteria: GeneDx Variant Classification Process June 2021. Collection method: clinical testing. Allele origin: germline. Affected: yes.
Comment: Not observed at significant frequency in large population cohorts (gnomAD); In silico analysis indicates that this missense variant does not alter protein structure/function; Has not been previously published as pathogenic or benign to our knowledge

Labcorp Genetics (formerly Invitae), Labcorp
Classification: Uncertain significance for Charcot-Marie-Tooth Neuropathy X; Combined oxidative phosphorylation deficiency. Last evaluated: 2024-12-09. Review status: criteria provided, single submitter. Criteria: Invitae Variant Classification Sherloc (09022015). Collection method: clinical testing. Allele origin: germline.
Comment: This sequence change replaces valine, which is neutral and non-polar, with isoleucine, which is neutral and non-polar, at codon 374 of the AIFM1 protein (p.Val374Ile). This variant is not present in population databases (gnomAD no frequency). This variant has not been reported in the literature in individuals affected with AIFM1-related conditions. ClinVar contains an entry for this variant (Variation ID: 383941). Invitae Evidence Modeling of protein sequence and biophysical properties (such as structural, functional, and spatial information, amino acid conservation, physicochemical variation, residue mobility, and thermodynamic stability) indicates that this missense variant is not expected to disrupt AIFM1 protein function with a negative predictive value of 80%. In summary, the available evidence is currently insufficient to determine the role of this variant in disease. Therefore, it has been classified as a Variant of Uncertain Significance.

PreventionGenetics, part of Exact Sciences
Classification: Uncertain significance for AIFM1-related condition. Last evaluated: 2024-08-29. Review status: no assertion criteria provided. Collection method: clinical testing. Allele origin: germline. Not counted in ClinVar's aggregate classification.
Comment: The AIFM1 c.1120G>A variant is predicted to result in the amino acid substitution p.Val374Ile. To our knowledge, this variant has not been reported in the literature or in a large population database (gnomAD v2.1.1), indicating this variant is rare. However, this variant has been reported in the larger gnomAD v.4.1.0 database in three alleles including one hemizygote. At this time, the clinical significance of this variant is uncertain due to the absence of conclusive functional and genetic evidence.

NM_004208.4(AIFM1):c.1120G>A (p.Val374Ile)

Genes: AIFM1 (apoptosis inducing factor mitochondria associated 1; minus strand), RAB33A (RAB33A, member RAS oncogene family; plus strand). Cytogenetic location: Xq26.1.
Variant type: single nucleotide variant.
Coding change: c.1120G>A on transcript NM_004208.4 (MANE Select); coding-DNA position 1120, G replaced by A.
Protein change: p.Val374Ile; replaces valine 374 with isoleucine.
Molecular consequence: missense variant. On other transcripts: 3 prime UTR variant (1), non-coding transcript variant (1).
Genome position (GRCh38, 1-based): chrX:130,136,687, C>T on the plus strand (G>A on the coding strand, the complement: AIFM1 is on the minus strand). VCF-style: chrX-130136687-C-T. GRCh37 (hg19) VCF-style: chrX-129270662-C-T.
Other names: c.103G>A, p.Val35Ile (NM_001130846.4); c.*348G>A (NM_001130847.4); c.1108G>A, p.Val370Ile (NM_145812.3); short protein forms V374I, V370I, V35I.
Identifiers: ClinVar variation 383941 (VCV000383941.9), dbSNP rs1057521792, ClinGen allele CA16609125.